The following is an entry in ClinVar:

ClinVar aggregate classification (germline): Pathogenic (1 of 4 stars; one submission).

gnomAD v4.1: 4 of 1,613,536 alleles (0.00025%); highest among the groups gnomAD compares: Admixed American, 0.005%; no homozygotes.

Submission:

Labcorp Genetics (formerly Invitae), Labcorp
Classification: Pathogenic. Last evaluated: 2025-09-04. Review status: criteria provided, single submitter. Criteria: Invitae Variant Classification Sherloc (09022015). Collection method: clinical testing. Allele origin: germline.
Comment: This sequence change creates a premature translational stop signal (p.Tyr171*) in the GIPC3 gene. It is expected to result in an absent or disrupted protein product. Loss-of-function variants in GIPC3 are known to be pathogenic (PMID: 21660509, 25296581). This variant is present in population databases (rs756432451, gnomAD 0.009%). This variant has not been reported in the literature in individuals affected with GIPC3-related conditions. For these reasons, this variant has been classified as Pathogenic.

Literature cited by the submitters: PubMed 21660509; PubMed 25296581.

NM_133261.3(GIPC3):c.513C>A (p.Tyr171Ter)

Gene: GIPC3 (GIPC PDZ domain containing family member 3; plus strand). Cytogenetic location: 19p13.3.
Variant type: single nucleotide variant.
Coding change: c.513C>A on transcript NM_133261.3 (MANE Select); coding-DNA position 513, C replaced by A.
Protein change: p.Tyr171Ter; replaces tyrosine 171 with a stop codon.
Molecular consequence: nonsense.
Genome position (GRCh38, 1-based): chr19:3,586,915, C>A. VCF-style: chr19-3586915-C-A. GRCh37 (hg19) VCF-style: chr19-3586913-C-A.
Other names: c.513C>A, p.Tyr171Ter (NM_001411144.1); short protein forms Y171*.
Identifiers: ClinVar variation 4744368 (VCV004744368.1).